The following is an entry in ClinVar:

NM_007294.4(BRCA1):c.269T>C (p.Ile90Thr)

Gene: BRCA1 (BRCA1 DNA repair associated; minus strand). Cytogenetic location: 17q21.31.
Variant type: single nucleotide variant.
Coding change: c.269T>C on transcript NM_007294.4 (MANE Select); coding-DNA position 269, T replaced by C.
Protein change: p.Ile90Thr; replaces isoleucine 90 with threonine.
Molecular consequence: missense variant. On other transcripts: non-coding transcript variant (1).
Genome position (GRCh38, 1-based): chr17:43,104,900, A>G on the plus strand (T>C on the coding strand, the complement: BRCA1 is on the minus strand). VCF-style: chr17-43104900-A-G. GRCh37 (hg19) VCF-style: chr17-41256917-A-G.
Other names: c.269T>C, p.Ile90Thr (NM_001407990.1, NM_001407991.1, NM_001407992.1 and 168 more transcripts); c.191T>C, p.Ile64Thr (NM_001408409.1, NM_001408411.1, NM_001408412.1 and 21 more transcripts); c.128T>C, p.Ile43Thr (NM_001408410.1, NM_001408452.1, NM_001408453.1 and 99 more transcripts); c.137T>C, p.Ile46Thr (NM_001408451.1); c.59T>C, p.Ile20Thr (NM_001408478.1, NM_001408479.1, NM_001408480.1 and 58 more transcripts); c.-113T>C (NM_001408510.1, NM_001408512.1, NM_001407959.1 and 4 more transcripts); short protein forms I90T, I43T, I20T, I46T, I64T.
Identifiers: ClinVar variation 54651 (VCV000054651.5), dbSNP rs80357174, ClinGen allele CA001777.

ClinVar aggregate classification (germline): Uncertain significance. Review status: criteria provided, single submitter (1 of 4 stars). 2 submissions from 2 submitters: Uncertain significance (1). 1 of the submissions does not count toward it. Last evaluated 2016-05-19.

Conditions:
Breast-ovarian cancer, familial, susceptibility to, 1 (BROVCA1). Also called: OVARIAN CANCER, SUSCEPTIBILITY TO; BRCA1 Hereditary Breast and Ovarian Cancer. Identifiers: Orphanet 145, MedGen C2676676, MONDO:0011450, OMIM 604370. Disease mechanism: loss of function.

Submissions (3):

Women's Health and Genetics/Laboratory Corporation of America, LabCorp
Classification: Uncertain significance. Last evaluated: 2016-05-19. Review status: criteria provided, single submitter. Criteria: LabCorp Variant Classification Summary - May 2015. Collection method: clinical testing. Allele origin: germline.
Comment: Variant summary: The BRCA1 c.269T>C (p.Ile90Thr) variant involves the alteration of a conserved nucleotide and results in a replacement of a medium size and hydrophobic Isoleucine (I) with a medium size and polar Threonine (T). Residues 8-22 and 81-96 of BRCA1 protein form antiparallel alpha-helices flanking the central RING domain (residues 23-76), and are thought to be critical for the proper association of the BRCA1 and BARD1 proteins (Brzovic_Nat Struct Biol_2001). Consistently, 4/5 in silico tools predict the variant to be deleterious. 4/5 in silico tools predict a damaging outcome. This variant is absent in 121322 control chromosomes. It was reported once by the BIC database in one individual from an HBOC family however, without strong evidence for pathogenicity. Functional studies demonstrated the variant to be proficient in BARD1 and UbcH5a binding and to slightly decrease E3 activity of BRCA1. Most importantly, the variant was shown not to have a significant impact on homology directed repair activity of BRCA1 which is essential for its tumor suppressing function. The functional studies indicate the variant to be in the neutral spectrum, however, due to lack of stronger clinical information about variant carries, the variant was classified as a variant of uncertain significance (VUS) until additional information becomes available.

Breast Cancer Information Core (BIC) (BRCA1)
Classification: Uncertain significance for Breast-ovarian cancer, familial 1. Last evaluated: 1999-04-06. Review status: no assertion criteria provided. Collection method: clinical testing. Allele origin: germline. Affected: yes. Observed: 1 variant allele. Not counted in ClinVar's aggregate classification.

Brotman Baty Institute, University of Washington
No classification provided (evidence only). Condition: Breast-ovarian cancer, familial 1. Review status: no classification provided. Collection method: in vitro. Allele origin: not applicable. Functional consequence: functionally_normal. Not counted in ClinVar's aggregate classification.
ClinVar note: "not provided" was previously submitted as the classification for the variant. However, the classification appeared to be based only on an observation of functional data so it was converted to no classification on 2025-07-30.

Literature cited by the submitters: PubMed 16403807 (cited by Women's Health and Genetics/Laboratory Corporation of America, LabCorp); PubMed 25823446 (cited by Women's Health and Genetics/Laboratory Corporation of America, LabCorp); PubMed 11802209 (cited by Women's Health and Genetics/Laboratory Corporation of America, LabCorp); PubMed 23161852 (cited by Women's Health and Genetics/Laboratory Corporation of America, LabCorp).